The following is an entry in ClinVar:

ClinVar aggregate classification (germline): Uncertain significance. Review status: criteria provided, multiple submitters, no conflicts (2 of 4 stars). 2 submissions from 2 submitters: Uncertain significance (2). Last evaluated 2024-04-15.

Conditions:
Cardiovascular phenotype. Identifiers: MedGen CN230736.
Arrhythmogenic right ventricular dysplasia 10. Also called: Arrhythmogenic Right Ventricular Dysplasia/Cardiomyopathy10; ARRHYTHMOGENIC RIGHT VENTRICULAR DYSPLASIA, FAMILIAL, 10; Arrhythmogenic right ventricular dysplasia/cardiomyopathy, type 10. Identifiers: MedGen C1857777, MONDO:0012434, OMIM 610193.

Allele frequency attached by ClinVar (database versions not stated): TOPMed below 0.00001; gnomAD exomes 0.00001.
gnomAD v4.1: 5 of 1,614,174 alleles (0.00031%); highest among the groups gnomAD compares: Non-Finnish European, 0.00042%; no homozygotes.

Submissions (2):

Labcorp Genetics (formerly Invitae), Labcorp
Classification: Uncertain significance for Arrhythmogenic right ventricular dysplasia 10. Last evaluated: 2024-04-15. Review status: criteria provided, single submitter. Criteria: Invitae Variant Classification Sherloc (09022015). Collection method: clinical testing. Allele origin: germline.
Comment: This sequence change replaces valine, which is neutral and non-polar, with glycine, which is neutral and non-polar, at codon 56 of the DSG2 protein (p.Val56Gly). This variant is present in population databases (no rsID available, gnomAD 0.0009%). This variant has not been reported in the literature in individuals affected with DSG2-related conditions. ClinVar contains an entry for this variant (Variation ID: 2488731). Advanced modeling of protein sequence and biophysical properties (such as structural, functional, and spatial information, amino acid conservation, physicochemical variation, residue mobility, and thermodynamic stability) performed at Invitae indicates that this missense variant is not expected to disrupt DSG2 protein function with a negative predictive value of 95%. In summary, the available evidence is currently insufficient to determine the role of this variant in disease. Therefore, it has been classified as a Variant of Uncertain Significance.

Ambry Genetics
Classification: Uncertain significance for Cardiovascular phenotype. Last evaluated: 2024-01-01. Review status: criteria provided, single submitter. Criteria: Ambry Variant Classification Scheme 2023. Collection method: clinical testing. Allele origin: germline.
Comment: The p.V56G variant (also known as c.167T>G), located in coding exon 3 of the DSG2 gene, results from a T to G substitution at nucleotide position 167. The valine at codon 56 is replaced by glycine, an amino acid with dissimilar properties. This amino acid position is conserved. In addition, this alteration is predicted to be tolerated by in silico analysis. Since supporting evidence is limited at this time, the clinical significance of this alteration remains unclear.

NM_001943.5(DSG2):c.167T>G (p.Val56Gly)

Gene: DSG2 (desmoglein 2; plus strand). Cytogenetic location: 18q12.1.
Variant type: single nucleotide variant.
Coding change: c.167T>G on transcript NM_001943.5 (MANE Select); coding-DNA position 167, T replaced by G.
Protein change: p.Val56Gly; replaces valine 56 with glycine.
Molecular consequence: missense variant.
Genome position (GRCh38, 1-based): chr18:31,519,888, T>G. VCF-style: chr18-31519888-T-G. GRCh37 (hg19) VCF-style: chr18-29099851-T-G.
Other names: short protein forms V56G.
Identifiers: ClinVar variation 2488731 (VCV002488731.4), dbSNP rs1423070785, ClinGen allele CA402130875.